The following is an entry in ClinVar:

ClinVar aggregate classification (germline): Uncertain significance (1 of 4 stars; one submission).

Submission:

Mayo Clinic Laboratories, Mayo Clinic
Classification: Uncertain significance. Last evaluated: 2025-09-05. Review status: criteria provided, single submitter. Criteria: ACMG Guidelines, 2015. Collection method: clinical testing. Allele origin: germline. Observed: 6 variant alleles.
Comment: BP4

NM_001365276.2(TNXB):c.11925+6C>G

Genes: TNXB (tenascin XB; minus strand), LOC106780803 (tenascin XB recombination region; plus strand). Cytogenetic location: 6p21.33.
Variant type: single nucleotide variant.
Coding change: c.11925+6C>G on transcript NM_001365276.2 (MANE Select); 6 bases into the intron after coding-DNA position 11925, C replaced by G.
Molecular consequence: intron variant.
Genome position (GRCh38, 1-based): chr6:32,042,945, G>C on the plus strand (C>G on the coding strand, the complement: TNXB is on the minus strand). VCF-style: chr6-32042945-G-C. GRCh37 (hg19) VCF-style: chr6-32010722-G-C.
Other names: p.?; c.11919+6C>G (NM_019105.8); c.12666+6C>G (NM_001428335.1); c.1212+6C>G (NM_032470.4).
Identifiers: ClinVar variation 3379658 (VCV003379658.2).